The following is an entry in ClinVar:

NM_001195129.2(PRSS56):c.323G>A (p.Gly108Asp)

Gene: PRSS56 (serine protease 56; plus strand). Cytogenetic location: 2q37.1.
Variant type: single nucleotide variant.
Coding change: c.323G>A on transcript NM_001195129.2 (MANE Select); coding-DNA position 323, G replaced by A.
Protein change: p.Gly108Asp; replaces glycine 108 with aspartic acid.
Molecular consequence: missense variant.
Genome position (GRCh38, 1-based): chr2:232,522,037, G>A. VCF-style: chr2-232522037-G-A. GRCh37 (hg19) VCF-style: chr2-233386747-G-A.
Other names: c.323G>A, p.Gly108Asp (NM_001369848.1); short protein forms G108D.
Identifiers: ClinVar variation 1715028 (VCV001715028.5), dbSNP rs1391877540, ClinGen allele CA350985131.

ClinVar aggregate classification (germline): Uncertain significance (1 of 4 stars; one submission).

Conditions:
Isolated microphthalmia 6. Also called: MICROPHTHALMIA, POSTERIOR NONSYNDROMIC. Identifiers: Orphanet 2542, MedGen C3150757, MONDO:0013293, OMIM 613517.

Allele frequency attached by ClinVar (database versions not stated): TOPMed below 0.00001; gnomAD 0.00001.

Submission:

Labcorp Genetics (formerly Invitae), Labcorp
Classification: Uncertain significance for Isolated microphthalmia 6. Last evaluated: 2022-08-19. Review status: criteria provided, single submitter. Criteria: Invitae Variant Classification Sherloc (09022015). Collection method: clinical testing. Allele origin: germline.
Comment: This sequence change replaces glycine, which is neutral and non-polar, with aspartic acid, which is acidic and polar, at codon 108 of the PRSS56 protein (p.Gly108Asp). This variant is not present in population databases (gnomAD no frequency). This variant has not been reported in the literature in individuals affected with PRSS56-related conditions. Algorithms developed to predict the effect of missense changes on protein structure and function are either unavailable or do not agree on the potential impact of this missense change (SIFT: "Deleterious"; PolyPhen-2: "Not Available"; Align-GVGD: "Class C65"). In summary, the available evidence is currently insufficient to determine the role of this variant in disease. Therefore, it has been classified as a Variant of Uncertain Significance.